The following is an entry in ClinVar:

ClinVar aggregate classification (germline): Likely benign (1 of 4 stars; one submission).

Allele frequency attached by ClinVar (database versions not stated): gnomAD exomes below 0.00001.
gnomAD v4.1: 1 of 1,596,314 alleles (0.000063%); highest among the groups gnomAD compares: South Asian, 0.0011%; no homozygotes.

Submission:

CeGaT Center for Human Genetics Tuebingen
Classification: Likely benign. Last evaluated: 2023-02-01. Review status: criteria provided, single submitter. Criteria: CeGaT Center For Human Genetics Tuebingen Variant Classification Criteria Version 2. Collection method: clinical testing. Allele origin: germline. Affected: yes. Observed: 1 variant allele.
Comment: UBR1: BP4, BP7

NM_174916.3(UBR1):c.2076C>A (p.Ile692=)

Gene: UBR1 (ubiquitin protein ligase E3 component n-recognin 1; minus strand). Cytogenetic location: 15q15.2.
Variant type: single nucleotide variant.
Coding change: c.2076C>A on transcript NM_174916.3 (MANE Select); coding-DNA position 2076, C replaced by A.
Protein change: p.Ile692=; no amino-acid change (isoleucine 692 retained).
Molecular consequence: synonymous variant.
Genome position (GRCh38, 1-based): chr15:43,036,540, G>T on the plus strand (C>A on the coding strand, the complement: UBR1 is on the minus strand). VCF-style: chr15-43036540-G-T. GRCh37 (hg19) VCF-style: chr15-43328738-G-T.
Identifiers: ClinVar variation 2645265 (VCV002645265.24), dbSNP rs1373610793, ClinGen allele CA489907077.